The following is an entry in ClinVar:

ClinVar aggregate classification (germline): Likely benign. Review status: criteria provided, multiple submitters, no conflicts (2 of 4 stars). 3 submissions from 3 submitters: Likely benign (2). 1 of the submissions does not count toward it. Last evaluated 2022-04-19.

Conditions:
Hereditary breast ovarian cancer syndrome. Also called: BRCA1- and BRCA2-Associated Hereditary Breast and Ovarian Cancer; Hereditary breast and ovarian cancer; Hereditary breast and/or ovarian cancer syndrome; Hereditary breast and ovarian cancer syndrome; Hereditary breast and ovarian cancer syndrome (HBOC); Breast and ovarian cancer. Identifiers: Orphanet 145, MedGen C0677776, MeSH D061325, MONDO:0003582. Disease mechanism: loss of function.

Allele frequency attached by ClinVar (database versions not stated): 1000 Genomes Project 0.00160; gnomAD 0.00183 and 0.00184; 1000 Genomes Project 30x 0.00187; TOPMed 0.00189.
gnomAD v4.1: 2,495 of 1,001,488 alleles (0.25%); highest among the groups gnomAD compares: Middle Eastern, 0.79%; 6 homozygotes.

Submissions (3):

National Health Laboratory Service, Universitas Academic Hospital and University of the Free State
Classification: Likely benign for Hereditary breast ovarian cancer syndrome. Last evaluated: 2022-04-19. Review status: criteria provided, single submitter. Criteria: ACMG Guidelines, 2015. Collection method: clinical testing. Allele origin: germline. Affected: yes. Observed: 6 variant alleles.

Breakthrough Genomics
Classification: Likely benign. Review status: criteria provided, single submitter. Criteria: ACMG Guidelines, 2015. Collection method: not provided. Allele origin: germline. Inheritance: Autosomal dominant inheritance. Affected: yes.

Institute. of Biochemistry and Experimental Oncology, First Faculty of Medicine, Charles University in Prague
No classification provided. Review status: no classification provided. Collection method: not provided. Allele origin: germline. Not counted in ClinVar's aggregate classification.
Comment: Characterized in 1 out of 376 non cancer controls

NM_007194.4(CHEK2):c.684-74G>C

Gene: CHEK2 (checkpoint kinase 2; minus strand). Cytogenetic location: 22q12.1.
Variant type: single nucleotide variant.
Coding change: c.684-74G>C on transcript NM_007194.4 (MANE Select); 74 bases into the intron before coding-DNA position 684, G replaced by C.
Molecular consequence: intron variant.
Genome position (GRCh38, 1-based): chr22:28,712,091, C>G on the plus strand (G>C on the coding strand, the complement: CHEK2 is on the minus strand). VCF-style: chr22-28712091-C-G. GRCh37 (hg19) VCF-style: chr22-29108079-C-G.
Other names: chr22:29,108,079C>G; c.21-74G>C (NM_001437942.1, NM_001257387.3); c.483-74G>C (NM_001349956.3); c.684-74G>C (NM_145862.3); c.777-74G>C (NM_001438295.1, NM_001438293.1); c.813-74G>C (NM_001438294.1, NM_001005735.3).
Identifiers: ClinVar variation 126899 (VCV000126899.3), dbSNP rs121908712, ClinGen allele CA230675.